The following is an entry in ClinVar:

NM_006757.4(TNNT3):c.100G>A (p.Ala34Thr)

Gene: TNNT3 (troponin T3, fast skeletal type; plus strand). Cytogenetic location: 11p15.5.
Variant type: single nucleotide variant.
Coding change: c.100G>A on transcript NM_006757.4 (MANE Select); coding-DNA position 100, G replaced by A.
Protein change: p.Ala34Thr; replaces alanine 34 with threonine.
Molecular consequence: missense variant. On other transcripts: intron variant (14).
Genome position (GRCh38, 1-based): chr11:1,929,137, G>A. VCF-style: chr11-1929137-G-A. GRCh37 (hg19) VCF-style: chr11-1950367-G-A.
Other names: c.133G>A, p.Ala45Thr (NM_001367846.1); c.88G>A, p.Ala30Thr (NM_001367849.1); c.83-673G>A (NM_001297646.2, NM_001042780.3, NM_001042782.3 and 2 more transcripts); c.116-673G>A (NM_001363561.2, NM_001367847.1); c.101-673G>A (NM_001042781.3, NM_001367843.1, NM_001367842.1); c.104-673G>A (NM_001367848.1); c.50-673G>A (NM_001367850.1); c.-98-673G>A (NM_001367851.1, NM_001367852.1); short protein forms A45T, A34T, A30T.
Identifiers: ClinVar variation 2954722 (VCV002954722.3), dbSNP rs751471487, ClinGen allele CA5816303.

ClinVar aggregate classification (germline): Uncertain significance (1 of 4 stars; one submission).

Allele frequency attached by ClinVar (database versions not stated): gnomAD 0.00001; ExAC 0.00002.
gnomAD v4.1: 20 of 1,612,954 alleles (0.0012%); highest among the groups gnomAD compares: South Asian, 0.0055%; no homozygotes.

Submission:

Labcorp Genetics (formerly Invitae), Labcorp
Classification: Uncertain significance. Last evaluated: 2023-11-14. Review status: criteria provided, single submitter. Criteria: Invitae Variant Classification Sherloc (09022015). Collection method: clinical testing. Allele origin: germline.
Comment: This sequence change replaces alanine, which is neutral and non-polar, with threonine, which is neutral and polar, at codon 34 of the TNNT3 protein (p.Ala34Thr). This variant is present in population databases (rs751471487, gnomAD 0.007%). This variant has not been reported in the literature in individuals affected with TNNT3-related conditions. This missense change has been observed in at least one individual who was not affected with TNNT3-related conditions (Invitae). Experimental studies and prediction algorithms are not available or were not evaluated, and the functional significance of this variant is currently unknown. In summary, the available evidence is currently insufficient to determine the role of this variant in disease. Therefore, it has been classified as a Variant of Uncertain Significance.